The following is an entry in ClinVar:

ClinVar aggregate classification (germline): Conflicting classifications of pathogenicity. Review status: criteria provided, conflicting classifications (1 of 4 stars). 3 submissions from 3 submitters: Uncertain significance (2); Likely benign (1). Last evaluated 2024-06-03.

Allele frequency attached by ClinVar (database versions not stated): ExAC 0.00021; gnomAD 0.00023; TOPMed 0.00030; ESP Exome Variant Server 0.00033; 1000 Genomes Project 30x 0.00094; 1000 Genomes Project 0.00100.
gnomAD v4.1: 243 of 1,613,976 alleles (0.015%); highest among the groups gnomAD compares: African/African-American, 0.073%; no homozygotes.

Submissions (3):

Blueprint Genetics
Classification: Likely benign. Last evaluated: 2024-06-03. Review status: criteria provided, single submitter. Criteria: ACMG Guidelines, 2015. Collection method: clinical testing. Allele origin: germline.

Labcorp Genetics (formerly Invitae), Labcorp
Classification: Uncertain significance. Last evaluated: 2022-06-23. Review status: criteria provided, single submitter. Criteria: Invitae Variant Classification Sherloc (09022015). Collection method: clinical testing. Allele origin: germline.
Comment: This sequence change replaces arginine, which is basic and polar, with histidine, which is basic and polar, at codon 1654 of the FAT1 protein (p.Arg1654His). This variant is present in population databases (rs369592206, gnomAD 0.09%). This variant has not been reported in the literature in individuals affected with FAT1-related conditions. Algorithms developed to predict the effect of missense changes on protein structure and function output the following: SIFT: "Tolerated"; PolyPhen-2: "Benign"; Align-GVGD: "Class C0". The histidine amino acid residue is found in multiple mammalian species, which suggests that this missense change does not adversely affect protein function. In summary, the available evidence is currently insufficient to determine the role of this variant in disease. Therefore, it has been classified as a Variant of Uncertain Significance.

GeneDx
Classification: Uncertain significance. Last evaluated: 2022-03-21. Review status: criteria provided, single submitter. Criteria: GeneDx Variant Classification Process June 2021. Collection method: clinical testing. Allele origin: germline. Affected: yes.
Comment: In silico analysis supports that this missense variant does not alter protein structure/function; Has not been previously published as pathogenic or benign to our knowledge

NM_005245.4(FAT1):c.4961G>A (p.Arg1654His)

Gene: FAT1 (FAT atypical cadherin 1; minus strand). Cytogenetic location: 4q35.2.
Variant type: single nucleotide variant.
Coding change: c.4961G>A on transcript NM_005245.4 (MANE Select); coding-DNA position 4961, G replaced by A.
Protein change: p.Arg1654His; replaces arginine 1654 with histidine.
Molecular consequence: missense variant.
Genome position (GRCh38, 1-based): chr4:186,621,625, C>T on the plus strand (G>A on the coding strand, the complement: FAT1 is on the minus strand). VCF-style: chr4-186621625-C-T. GRCh37 (hg19) VCF-style: chr4-187542779-C-T.
Other names: short protein forms R1654H.
Identifiers: ClinVar variation 1706807 (VCV001706807.5), dbSNP rs369592206, ClinGen allele CA3166556.